The following is an entry in ClinVar:

NM_006735.4(HOXA2):c.334GCC[3] (p.Ala115_Ala117del)

Gene: HOXA2 (homeobox A2; minus strand). Cytogenetic location: 7p15.2.
Variant type: Microsatellite.
Coding change: c.334GCC[3] on transcript NM_006735.4 (MANE Select); three copies in a row of the 3-base unit GCC starting at c.334; the reference has six copies in a row; three copies, 9 bases deleted.
Protein change: p.Ala115_Ala117del.
Molecular consequence: inframe deletion.
Genome position (GRCh38, 1-based): chr7:27,102,150-27,102,158, GGCGGCGGC deleted on the plus strand (GCCGCCGCC on the coding strand, the reverse complement: HOXA2 is on the minus strand); deleting any 9 consecutive bases within chr7:27,102,150-27,102,167 gives the same sequence; the position shown is the placement nearest the transcript's 3' end. VCF-style (leftmost placement, unchanged base first): chr7-27102149-TGGCGGCGGC-T. GRCh37 (hg19) VCF-style: chr7-27141768-TGGCGGCGGC-T.
Identifiers: ClinVar variation 2631989 (VCV002631989.2), dbSNP rs748552806, ClinGen allele CA4196270.

ClinVar aggregate classification (germline): Uncertain significance (1 of 4 stars; one submission).

Conditions:
HOXA2-related disorder. Also called: HOXA2-related condition.

Submission:

PreventionGenetics, part of Exact Sciences
Classification: Uncertain significance for HOXA2-related condition. Last evaluated: 2026-06-30. Review status: criteria provided, single submitter. Criteria: ACMG Guidelines, 2015. Collection method: clinical testing. Allele origin: germline.
Comment: The HOXA2 c.343_351del9 variant is predicted to result in an in-frame deletion (p.Ala115_Ala117del). To our knowledge, this variant has not been reported in the literature. This variant is reported in 0.0050% of alleles in individuals of European (Non-Finnish) descent in gnomAD. At this time, the clinical significance of this variant is uncertain due to the absence of conclusive functional and genetic evidence.